The following is an entry in ClinVar:

NM_001025603.2(RFX5):c.646C>G (p.Leu216Val)

Gene: RFX5 (regulatory factor X5; minus strand). Cytogenetic location: 1q21.3.
Variant type: single nucleotide variant.
Coding change: c.646C>G on transcript NM_001025603.2 (MANE Select); coding-DNA position 646, C replaced by G.
Protein change: p.Leu216Val; replaces leucine 216 with valine.
Molecular consequence: missense variant.
Genome position (GRCh38, 1-based): chr1:151,343,792, G>C on the plus strand (C>G on the coding strand, the complement: RFX5 is on the minus strand). VCF-style: chr1-151343792-G-C. GRCh37 (hg19) VCF-style: chr1-151316268-G-C.
Other names: c.646C>G, p.Leu216Val (NM_000449.4, NM_001379412.1, NM_001379413.1 and 5 more transcripts); c.526C>G, p.Leu176Val (NM_001379419.1, NM_001379420.1); short protein forms L216V, L176V.
Identifiers: ClinVar variation 3661367 (VCV003661367.2).

ClinVar aggregate classification (germline): Uncertain significance (1 of 4 stars; one submission).

Conditions:
MHC class II deficiency. Also called: Bare lymphocyte syndrome 2; BLS, TYPE II. Identifiers: Orphanet 572, MedGen C5447452, MONDO:0008855.

Submission:

Labcorp Genetics (formerly Invitae), Labcorp
Classification: Uncertain significance for MHC class II deficiency. Last evaluated: 2024-08-04. Review status: criteria provided, single submitter. Criteria: Invitae Variant Classification Sherloc (09022015). Collection method: clinical testing. Allele origin: germline.
Comment: This sequence change replaces leucine, which is neutral and non-polar, with valine, which is neutral and non-polar, at codon 216 of the RFX5 protein (p.Leu216Val). This variant is not present in population databases (gnomAD no frequency). This variant has not been reported in the literature in individuals affected with RFX5-related conditions. An algorithm developed to predict the effect of missense changes on protein structure and function (PolyPhen-2) suggests that this variant is likely to be disruptive. In summary, the available evidence is currently insufficient to determine the role of this variant in disease. Therefore, it has been classified as a Variant of Uncertain Significance.